The following is an entry in ClinVar:

NM_001267550.2(TTN):c.39611T>A (p.Val13204Asp)

Gene: TTN (titin; minus strand). Cytogenetic location: 2q31.2.
Variant type: single nucleotide variant.
Coding change: c.39611T>A on transcript NM_001267550.2 (MANE Select); coding-DNA position 39611, T replaced by A.
Protein change: p.Val13204Asp; replaces valine 13204 with aspartic acid.
Molecular consequence: missense variant. On other transcripts: intron variant (3).
Genome position (GRCh38, 1-based): chr2:178,651,257, A>T on the plus strand (T>A on the coding strand, the complement: TTN is on the minus strand). VCF-style: chr2-178651257-A-T. GRCh37 (hg19) VCF-style: chr2-179515984-A-T.
Other names: c.35090T>A, p.Val11697Asp (NM_001256850.1); c.32309T>A, p.Val10770Asp (NM_133378.4); c.13283-8940T>A (NM_003319.4); c.13859-8940T>A (NM_133437.4); c.13658-8940T>A (NM_133432.3); short protein forms V10770D, V11697D, V13204D.
Identifiers: ClinVar variation 4820507 (VCV004820507.1).

ClinVar aggregate classification (germline): Likely benign (1 of 4 stars; one submission).

gnomAD v4.1: 1 of 1,613,056 alleles (0.000062%); highest among the groups gnomAD compares: Non-Finnish European, 0.000085%; no homozygotes.

Submission:

Molecular Diagnostic Laboratory for Inherited Cardiovascular Disease, Montreal Heart Institute
Classification: Likely benign. Last evaluated: 2026-03-27. Review status: criteria provided, single submitter. Criteria: ACMG Guidelines, 2015. Collection method: clinical testing. Allele origin: germline. Affected: no.
Comment: BP1